The following is an entry in ClinVar:

ClinVar aggregate classification (germline): Uncertain significance (1 of 4 stars; one submission).

Allele frequency attached by ClinVar (database versions not stated): TOPMed 0.00004; gnomAD 0.00003; 1000 Genomes Project 30x 0.00016; 1000 Genomes Project 0.00020; gnomAD exomes 0.00003; ExAC 0.00012.
gnomAD v4.1: 50 of 1,614,210 alleles (0.0031%); highest among the groups gnomAD compares: Middle Eastern, 0.016%; no homozygotes.

Submission:

Labcorp Genetics (formerly Invitae), Labcorp
Classification: Uncertain significance. Last evaluated: 2025-05-05. Review status: criteria provided, single submitter. Criteria: Invitae Variant Classification Sherloc (09022015). Collection method: clinical testing. Allele origin: germline.
Comment: This sequence change replaces arginine, which is basic and polar, with histidine, which is basic and polar, at codon 707 of the RHOBTB2 protein (p.Arg707His). This variant is present in population databases (rs200645057, gnomAD 0.01%). This variant has not been reported in the literature in individuals affected with RHOBTB2-related conditions. ClinVar contains an entry for this variant (Variation ID: 2897442). Invitae Evidence Modeling of protein sequence and biophysical properties (such as structural, functional, and spatial information, amino acid conservation, physicochemical variation, residue mobility, and thermodynamic stability) indicates that this missense variant is not expected to disrupt RHOBTB2 protein function with a negative predictive value of 80%. In summary, the available evidence is currently insufficient to determine the role of this variant in disease. Therefore, it has been classified as a Variant of Uncertain Significance.

NM_015178.3(RHOBTB2):c.2054G>A (p.Arg685His)

Gene: RHOBTB2 (Rho related BTB domain containing 2; plus strand). Cytogenetic location: 8p21.3.
Variant type: single nucleotide variant.
Coding change: c.2054G>A on transcript NM_015178.3 (MANE Select); coding-DNA position 2054, G replaced by A.
Protein change: p.Arg685His; replaces arginine 685 with histidine.
Molecular consequence: missense variant.
Genome position (GRCh38, 1-based): chr8:23,017,339, G>A. VCF-style: chr8-23017339-G-A. GRCh37 (hg19) VCF-style: chr8-22874852-G-A.
Other names: c.2120G>A, p.Arg707His (NM_001160036.2); c.2075G>A, p.Arg692His (NM_001160037.2); c.2054G>A, p.Arg685His (NM_001374791.1); short protein forms R685H, R692H, R707H.
Identifiers: ClinVar variation 2897442 (VCV002897442.3), dbSNP rs200645057, ClinGen allele CA4672851.